The following is an entry in ClinVar:

ClinVar aggregate classification (germline): Pathogenic (1 of 4 stars; one submission).

Conditions:
Hereditary breast ovarian cancer syndrome. Also called: Hereditary breast and ovarian cancer syndrome (HBOC); Hereditary breast and/or ovarian cancer syndrome; Hereditary breast and ovarian cancer; BRCA1- and BRCA2-Associated Hereditary Breast and Ovarian Cancer; Hereditary breast and ovarian cancer syndrome; Breast and ovarian cancer. Identifiers: Orphanet 145, MedGen C0677776, MeSH D061325, MONDO:0003582. Disease mechanism: loss of function.

Submission:

Labcorp Genetics (formerly Invitae), Labcorp
Classification: Pathogenic for Hereditary breast ovarian cancer syndrome. Last evaluated: 2022-09-27. Review status: criteria provided, single submitter. Criteria: Invitae Variant Classification Sherloc (09022015). Collection method: clinical testing. Allele origin: germline.
Comment: This variant is a gross deletion of the genomic region encompassing exon(s) 14-15 of the BRCA1 gene. This deletion is out-of-frame, and is expected to create a premature termination codon and result in an absent or disrupted protein product. Loss-of-function variants in BRCA1 are known to be pathogenic (PMID: 20104584). A similar copy number variant has been observed in individual(s) with breast and/or ovarian cancer (PMID: 12203994, 24825132). This variant is also known as a deletion of exons 15-16. For these reasons, this variant has been classified as Pathogenic.

Literature cited by the submitters: PubMed 20104584; PubMed 12203994; PubMed 24825132.

NC_000017.10:g.(?_41222925)_(41226558_?)del

Gene: BRCA1 (BRCA1 DNA repair associated; minus strand). Cytogenetic location: 17q21.31.
Variant type: Deletion.
Identifiers: ClinVar variation 1073079 (VCV001073079.2).